The following is an entry in ClinVar:

ClinVar aggregate classification (germline): Conflicting classifications of pathogenicity. Review status: criteria provided, conflicting classifications (1 of 4 stars). 3 submissions from 3 submitters: Likely pathogenic (1); Uncertain significance (2). Last evaluated 2025-11-21.

Conditions:
Pyridoxine-dependent epilepsy (EPEO4). Also called: Pyridoxine-Dependent Epilepsy - ALDH7A1; EPILEPSY, EARLY-ONSET, 4, VITAMIN B6-DEPENDENT; Pyridoxine-Dependent Seizures; PYRIDOXINE DEPENDENCY WITH SEIZURES. Identifiers: Orphanet 3006, MedGen C1849508, MONDO:0009945, OMIM 266100. Disease mechanism: loss of function.

Submissions (3):

GeneDx
Classification: Likely pathogenic. Last evaluated: 2025-11-21. Review status: criteria provided, single submitter. Criteria: GeneDx Variant Classification Process June 2021. Collection method: clinical testing. Allele origin: germline. Affected: yes.
Comment: Not observed at significant frequency in large population cohorts (gnomAD); In silico analysis supports that this missense variant has a deleterious effect on protein structure/function; Has not been previously published as pathogenic or benign to our knowledge

Women's Health and Genetics/Laboratory Corporation of America, LabCorp
Classification: Uncertain significance. Last evaluated: 2024-10-23. Review status: criteria provided, single submitter. Criteria: LabCorp Variant Classification Summary - May 2015. Collection method: clinical testing. Allele origin: germline.
Comment: Variant summary: ALDH7A1 c.1551G>A (p.Met517Ile) results in a conservative amino acid change located in the Aldehyde dehydrogenase domain (IPR015590) of the encoded protein sequence. Four of five in-silico tools predict a damaging effect of the variant on protein function. The variant was absent in 251410 control chromosomes. The available data on variant occurrences in the general population are insufficient to allow any conclusion about variant significance. To our knowledge, no occurrence of c.1551G>A in individuals affected with Pyridoxine-Dependent Epilepsy and no experimental evidence demonstrating its impact on protein function have been reported. ClinVar contains an entry for this variant (Variation ID: 420896). Based on the evidence outlined above, the variant was classified as uncertain significance.

Labcorp Genetics (formerly Invitae), Labcorp
Classification: Uncertain significance for Pyridoxine-dependent epilepsy. Last evaluated: 2024-05-15. Review status: criteria provided, single submitter. Criteria: Invitae Variant Classification Sherloc (09022015). Collection method: clinical testing. Allele origin: germline.
Comment: This sequence change replaces methionine, which is neutral and non-polar, with isoleucine, which is neutral and non-polar, at codon 517 of the ALDH7A1 protein (p.Met517Ile). This variant is not present in population databases (gnomAD no frequency). This variant has not been reported in the literature in individuals affected with ALDH7A1-related conditions. ClinVar contains an entry for this variant (Variation ID: 420896). Advanced modeling of protein sequence and biophysical properties (such as structural, functional, and spatial information, amino acid conservation, physicochemical variation, residue mobility, and thermodynamic stability) performed at Invitae indicates that this missense variant is expected to disrupt ALDH7A1 protein function with a positive predictive value of 95%. In summary, the available evidence is currently insufficient to determine the role of this variant in disease. Therefore, it has been classified as a Variant of Uncertain Significance.

NM_001182.5(ALDH7A1):c.1551G>A (p.Met517Ile)

Gene: ALDH7A1 (aldehyde dehydrogenase 7 family member A1; minus strand). Cytogenetic location: 5q23.2.
Variant type: single nucleotide variant.
Coding change: c.1551G>A on transcript NM_001182.5 (MANE Select); coding-DNA position 1551, G replaced by A.
Protein change: p.Met517Ile; replaces methionine 517 with isoleucine.
Molecular consequence: missense variant.
Genome position (GRCh38, 1-based): chr5:126,546,338, C>T on the plus strand (G>A on the coding strand, the complement: ALDH7A1 is on the minus strand). VCF-style: chr5-126546338-C-T. GRCh37 (hg19) VCF-style: chr5-125882030-C-T.
Other names: c.1467G>A, p.Met489Ile (NM_001201377.2); c.1359G>A, p.Met453Ile (NM_001202404.2); short protein forms M517I, M489I, M453I.
Identifiers: ClinVar variation 420896 (VCV000420896.9), dbSNP rs1064794774, ClinGen allele CA16618099.